The following is an entry in ClinVar:

NM_002772.3(TMPRSS15):c.2536A>C (p.Lys846Gln)

Gene: TMPRSS15 (transmembrane serine protease 15; minus strand). Cytogenetic location: 21q21.1.
Variant type: single nucleotide variant.
Coding change: c.2536A>C on transcript NM_002772.3 (MANE Select); coding-DNA position 2536, A replaced by C.
Protein change: p.Lys846Gln; replaces lysine 846 with glutamine.
Molecular consequence: missense variant.
Genome position (GRCh38, 1-based): chr21:18,281,172, T>G on the plus strand (A>C on the coding strand, the complement: TMPRSS15 is on the minus strand). VCF-style: chr21-18281172-T-G. GRCh37 (hg19) VCF-style: chr21-19653489-T-G.
Other names: short protein forms K846Q.
Identifiers: ClinVar variation 782931 (VCV000782931.11), dbSNP rs200483285, ClinGen allele CA9984008.
Genomic context (GRCh38, chr21:18,281,172, plus strand): 5'-GGTTTATGACAATTTCATCTATTAATCGAGGGACTGTTTGAGGAGAGGTCAGATTTGATT[T>G]CATATGCAGGCCTAGGATTGCTGTCCACTTGGATGGCTCTAAGTTTCTCCTGAAAATTGT-3'
Protein context (NP_002763.3, residues 836-856): KWTAILGLHM[Lys846Gln]SNLTSPQTVP

ClinVar aggregate classification (germline): Conflicting classifications of pathogenicity. Review status: criteria provided, conflicting classifications (1 of 4 stars). 3 submissions from 3 submitters: Uncertain significance (1); Likely benign (2). Last evaluated 2026-02-06.

Conditions:
TMPRSS15-related disorder. Also called: TMPRSS15-related condition.

Allele frequency attached by ClinVar (database versions not stated): gnomAD 0.00010 and 0.00011; ExAC 0.00014; TOPMed 0.00017; gnomAD exomes 0.00019; 1000 Genomes Project 30x 0.00031; 1000 Genomes Project 0.00040.
gnomAD v4.1: 112 of 1,614,122 alleles (0.0069%); highest among the groups gnomAD compares: East Asian, 0.11%; no homozygotes.

Submissions (3):

PreventionGenetics, part of Exact Sciences
Classification: Likely benign for TMPRSS15-related condition. Last evaluated: 2026-02-06. Review status: criteria provided, single submitter. Criteria: ACMG Guidelines, 2015. Collection method: clinical testing. Allele origin: germline.
Comment: This variant is classified as likely benign based on ACMG/AMP sequence variant interpretation guidelines (Richards et al. 2015 PMID: 25741868, with internal and published modifications).

Labcorp Genetics (formerly Invitae), Labcorp
Classification: Likely benign. Last evaluated: 2026-01-19. Review status: criteria provided, single submitter. Criteria: Invitae Variant Classification Sherloc (09022015). Collection method: clinical testing. Allele origin: germline.

Ambry Genetics
Classification: Uncertain significance. Last evaluated: 2023-08-04. Review status: criteria provided, single submitter. Criteria: Ambry Variant Classification Scheme 2023. Collection method: clinical testing. Allele origin: germline.